The following is an entry in ClinVar:

ClinVar aggregate classification (germline): Conflicting classifications of pathogenicity. Review status: criteria provided, conflicting classifications (1 of 4 stars). 2 submissions from 2 submitters: Uncertain significance (1); Likely benign (1). Last evaluated 2023-03-23.

Conditions:
Hereditary cancer-predisposing syndrome. Also called: Neoplastic Syndromes, Hereditary; Tumor predisposition; Hereditary Cancer Syndrome; Hereditary neoplastic syndrome. Identifiers: Orphanet 140162, MedGen C0027672, MeSH D009386, MONDO:0015356.

Submissions (2):

University of Washington Department of Laboratory Medicine, University of Washington
Classification: Likely benign for Hereditary cancer-predisposing syndrome. Last evaluated: 2023-03-23. Review status: criteria provided, single submitter. Criteria: Dines et al. (Genet Med. 2020). Collection method: curation. Allele origin: germline.
Comment: Missense variant in a coldspot region where missense variants are very unlikely to be pathogenic (PMID:31911673).

BRCA1 coldspot (exon 11 using historical exon numbering). Reclassification based on statistical prior probability

Ambry Genetics
Classification: Uncertain significance for Hereditary cancer-predisposing syndrome. Last evaluated: 2022-09-10. Review status: criteria provided, single submitter. Criteria: Ambry Variant Classification Scheme 2023. Collection method: clinical testing. Allele origin: germline.
Comment: The p.L1084V variant (also known as c.3250C>G), located in coding exon 9 of the BRCA1 gene, results from a C to G substitution at nucleotide position 3250. The leucine at codon 1084 is replaced by valine, an amino acid with highly similar properties. This amino acid position is conserved. In addition, the in silico prediction for this alteration is inconclusive. Since supporting evidence is limited at this time, the clinical significance of this alteration remains unclear.

NM_007294.4(BRCA1):c.3250C>G (p.Leu1084Val)

Genes: BRCA1 (BRCA1 DNA repair associated; minus strand), LOC126862571 (BRD4-independent group 4 enhancer GRCh37_chr17:41243136-41244335; plus strand). Cytogenetic location: 17q21.31.
Variant type: single nucleotide variant.
Coding change: c.3250C>G on transcript NM_007294.4 (MANE Select); coding-DNA position 3250, C replaced by G.
Protein change: p.Leu1084Val; replaces leucine 1084 with valine.
Molecular consequence: missense variant. On other transcripts: intron variant (137).
Genome position (GRCh38, 1-based): chr17:43,092,281, G>C on the plus strand (C>G on the coding strand, the complement: BRCA1 is on the minus strand). VCF-style: chr17-43092281-G-C. GRCh37 (hg19) VCF-style: chr17-41244298-G-C.
Other names: c.3040C>G, p.Leu1014Val (NM_001407882.1, NM_001407884.1, NM_001407885.1 and 13 more transcripts); c.3037C>G, p.Leu1013Val (NM_001407895.1, NM_001407896.1, NM_001407897.1 and 9 more transcripts); c.2986C>G, p.Leu996Val (NM_001407926.1, NM_001407927.1, NM_001407928.1 and 9 more transcripts); c.2983C>G, p.Leu995Val (NM_001407930.1, NM_001407931.1, NM_001407932.1 and 2 more transcripts); c.3127C>G, p.Leu1043Val (NM_001407937.1, NM_001407938.1, NM_001407939.1 and 19 more transcripts); c.3124C>G, p.Leu1042Val (NM_001407940.1, NM_001407941.1, NM_001407649.1 and 11 more transcripts); c.3109C>G, p.Leu1037Val (NM_001407942.1, NM_001407944.1, NM_001407945.1 and 29 more transcripts); c.3106C>G, p.Leu1036Val (NM_001407943.1, NM_001407964.1, NM_001407740.1 and 20 more transcripts); and 41 more; short protein forms L1016V, L1017V, L1037V, L1058V, L916V, L956V, L995V, L1036V.
Identifiers: ClinVar variation 1729418 (VCV001729418.4), dbSNP rs879254009, ClinGen allele CA10595484.
Genomic context (GRCh38, chr17:43,092,281, plus strand): 5'-TACAATTACTTCCAGGAAGACTTTGTTTATAGACCTCAGGTTGCAAAACCCCTAATCTAA[G>C]CATAGCATTCAATTTTGGCCCTCTGTTTCTACCTAGTTCTGCTTGAATGTTTTCATCACT-3'
Protein context (NP_009225.1, residues 1074-1094): RNRGPKLNAM[Leu1084Val]RLGVLQPEVY